The following is an entry in ClinVar:

NM_001122681.2(SH3BP2):c.459C>T (p.Tyr153=)

Gene: SH3BP2 (SH3 domain binding protein 2; plus strand). Cytogenetic location: 4p16.3.
Variant type: single nucleotide variant.
Coding change: c.459C>T on transcript NM_001122681.2 (MANE Select); coding-DNA position 459, C replaced by T.
Protein change: p.Tyr153=; no amino-acid change (tyrosine 153 retained).
Molecular consequence: synonymous variant.
Genome position (GRCh38, 1-based): chr4:2,827,260, C>T. VCF-style: chr4-2827260-C-T. GRCh37 (hg19) VCF-style: chr4-2828987-C-T.
Other names: c.459C>T, p.Tyr153= (LRG_1334t1, NM_003023.4); c.543C>T, p.Tyr181= (LRG_1334t2, NM_001145855.2); c.630C>T, p.Tyr210= (NM_001145856.2).
Identifiers: ClinVar variation 522234 (VCV000522234.14), dbSNP rs200183258, ClinGen allele CA2819182.
Genomic context (GRCh38, chr4:2,827,260, plus strand): 5'-CCGTCCGCCCCAACGCACCCTGCATTGCAGCGACTCCAGCTCGGACACAGACAGCTTCTA[C>T]GGCGCAGTTGAGCGGCCTGTGGATATCAGCCTTTCCCCGTACCCCACGGACAATGAAGGT-3'
Protein context (NP_001116153.1, residues 143-163): SDSSSDTDSF[Tyr153=]GAVERPVDIS

ClinVar aggregate classification (germline): Likely benign. Review status: criteria provided, multiple submitters, no conflicts (2 of 4 stars). 5 submissions from 5 submitters: Likely benign (5). Last evaluated 2026-01-28.

Conditions:
SH3BP2-related disorder. Also called: SH3BP2-related condition.
Fibrous dysplasia of jaw (CRBM). Also called: Cherubism. Identifiers: Orphanet 184, MedGen C0008029, MONDO:0007315, OMIM 118400.

Allele frequency attached by ClinVar (database versions not stated): ESP Exome Variant Server 0.00008; gnomAD 0.00015; ExAC 0.00017; gnomAD exomes 0.00020 and 0.00023; TOPMed 0.00021.
gnomAD v4.1: 324 of 1,614,076 alleles (0.02%); highest among the groups gnomAD compares: Middle Eastern, 0.066%; 1 homozygote.

Submissions (5):

Labcorp Genetics (formerly Invitae), Labcorp
Classification: Likely benign for Fibrous dysplasia of jaw. Last evaluated: 2026-01-28. Review status: criteria provided, single submitter. Criteria: Invitae Variant Classification Sherloc (09022015). Collection method: clinical testing. Allele origin: germline.

PreventionGenetics, part of Exact Sciences
Classification: Likely benign for SH3BP2-related condition. Last evaluated: 2024-12-06. Review status: criteria provided, single submitter. Criteria: ACMG Guidelines, 2015. Collection method: clinical testing. Allele origin: germline.
Comment: This variant is classified as likely benign based on ACMG/AMP sequence variant interpretation guidelines (Richards et al. 2015 PMID: 25741868, with internal and published modifications).

Blueprint Genetics
Classification: Likely benign. Last evaluated: 2024-05-06. Review status: criteria provided, single submitter. Criteria: ACMG Guidelines, 2015. Collection method: clinical testing. Allele origin: germline.

Genome Diagnostics Laboratory, University Medical Center Utrecht
Classification: Likely benign for Fibrous dysplasia of jaw. Last evaluated: 2017-09-06. Review status: criteria provided, single submitter. Criteria: ACGS Guidelines, 2013. Collection method: clinical testing. Allele origin: germline. Affected: yes. Study: VKGL Data-share Consensus.

Clinical Genetics DNA and cytogenetics Diagnostics Lab, Erasmus MC, Erasmus Medical Center
Classification: Likely benign for Fibrous dysplasia of jaw. Last evaluated: 2017-06-28. Review status: criteria provided, single submitter. Criteria: ACGS Guidelines, 2013. Collection method: clinical testing. Allele origin: germline. Affected: yes. Study: VKGL Data-share Consensus.